The following is an entry in ClinVar:

NM_006941.4(SOX10):c.246C>G (p.Gly82=)

Genes: POLR2F (RNA polymerase II, I and III subunit F; plus strand), SOX10 (SRY-box transcription factor 10; minus strand). Cytogenetic location: 22q13.1.
Variant type: single nucleotide variant.
Coding change: c.246C>G on transcript NM_006941.4 (MANE Select); coding-DNA position 246, C replaced by G.
Protein change: p.Gly82=; no amino-acid change (glycine 82 retained).
Molecular consequence: synonymous variant. On other transcripts: intron variant (3).
Genome position (GRCh38, 1-based): chr22:37,983,539, G>C on the plus strand (C>G on the coding strand, the complement: SOX10 is on the minus strand). VCF-style: chr22-37983539-G-C. GRCh37 (hg19) VCF-style: chr22-38379546-G-C.
Other names: c.293+16369G>C (NM_001301131.2); c.*38+11229G>C (NM_001363825.1); c.294-2615G>C (NM_001301130.2).
Identifiers: ClinVar variation 1973566 (VCV001973566.6), dbSNP rs773568764, ClinGen allele CA10228705.

ClinVar aggregate classification (germline): Likely benign. Review status: criteria provided, multiple submitters, no conflicts (2 of 4 stars). 2 submissions from 2 submitters: Likely benign (2). Last evaluated 2026-05-27.

Conditions:
SOX10-related disorder. Also called: SOX10-related condition.

Allele frequency attached by ClinVar (database versions not stated): gnomAD exomes 0.00004; gnomAD 0.00005; TOPMed 0.00009; ExAC 0.00011.
gnomAD v4.1: 69 of 1,610,554 alleles (0.0043%); highest among the groups gnomAD compares: Admixed American, 0.039%; no homozygotes.

Submissions (2):

PreventionGenetics, part of Exact Sciences
Classification: Likely benign for SOX10-related condition. Last evaluated: 2026-05-27. Review status: criteria provided, single submitter. Criteria: ACMG Guidelines, 2015. Collection method: clinical testing. Allele origin: germline.
Comment: This variant is classified as likely benign based on ACMG/AMP sequence variant interpretation guidelines (Richards et al. 2015 PMID: 25741868, with internal and published modifications).

Labcorp Genetics (formerly Invitae), Labcorp
Classification: Likely benign. Last evaluated: 2024-10-16. Review status: criteria provided, single submitter. Criteria: Invitae Variant Classification Sherloc (09022015). Collection method: clinical testing. Allele origin: germline.